The following is an entry in ClinVar:

NM_000944.5(PPP3CA):c.1241+3G>T

Gene: PPP3CA (protein phosphatase 3 catalytic subunit alpha; minus strand). Cytogenetic location: 4q24.
Variant type: single nucleotide variant.
Coding change: c.1241+3G>T on transcript NM_000944.5 (MANE Select); 3 bases into the intron after coding-DNA position 1241, G replaced by T.
Molecular consequence: intron variant.
Genome position (GRCh38, 1-based): chr4:101,040,479, C>A on the plus strand (G>T on the coding strand, the complement: PPP3CA is on the minus strand). VCF-style: chr4-101040479-C-A. GRCh37 (hg19) VCF-style: chr4-101961636-C-A.
Other names: c.1115+3G>T (NM_001130692.2); c.1241+3G>T (NM_001130691.2).
Identifiers: ClinVar variation 1479957 (VCV001479957.6), dbSNP rs2110210888, ClinGen allele CA2573137860.

ClinVar aggregate classification (germline): Uncertain significance (1 of 4 stars; one submission).

Submission:

Labcorp Genetics (formerly Invitae), Labcorp
Classification: Uncertain significance. Last evaluated: 2021-01-28. Review status: criteria provided, single submitter. Criteria: Invitae Variant Classification Sherloc (09022015). Collection method: clinical testing. Allele origin: germline.
Comment: This sequence change falls in intron 11 of the PPP3CA gene. It does not directly change the encoded amino acid sequence of the PPP3CA protein. It affects a nucleotide within the consensus splice site of the intron. In summary, the available evidence is currently insufficient to determine the role of this variant in disease. Therefore, it has been classified as a Variant of Uncertain Significance. Nucleotide substitutions within the consensus splice site are a relatively common cause of aberrant splicing (PMID: 17576681, 9536098). Algorithms developed to predict the effect of sequence changes on RNA splicing suggest that this variant is not likely to affect RNA splicing, but this prediction has not been confirmed by published transcriptional studies. This variant has not been reported in the literature in individuals with PPP3CA-related conditions. This variant is not present in population databases (ExAC no frequency).

Literature cited by the submitters: PubMed 17576681; PubMed 9536098.